The following is an entry in ClinVar:

NM_001040151.2(SCN3B):c.339C>T (p.Asn113=)

Gene: SCN3B (sodium voltage-gated channel beta subunit 3; minus strand). Cytogenetic location: 11q24.1.
Variant type: single nucleotide variant.
Coding change: c.339C>T on transcript NM_001040151.2 (MANE Select); coding-DNA position 339, C replaced by T.
Protein change: p.Asn113=; no amino-acid change (asparagine 113 retained).
Molecular consequence: synonymous variant.
Genome position (GRCh38, 1-based): chr11:123,642,552, G>A on the plus strand (C>T on the coding strand, the complement: SCN3B is on the minus strand). VCF-style: chr11-123642552-G-A. GRCh37 (hg19) VCF-style: chr11-123513260-G-A.
Other names: c.339C>T, p.Asn113= (NM_018400.4).
Identifiers: ClinVar variation 516635 (VCV000516635.11), dbSNP rs142613556, ClinGen allele CA6334036.
Genomic context (GRCh38, chr11:123,642,552, plus strand): 5'-GGGCCGATGCGCCTCAAACTCAAACTCCCGGGACACATTGCAGGTGTAGAGGCCAGAGTC[G>A]TTCAGAGTGACGTTGAGCACAGTGATGGACACGTCCTGCAGGTCCTTGCTGCCATTCCAC-3'
Protein context (NP_001035241.1, residues 103-123): VSITVLNVTL[Asn113=]DSGLYTCNVS

ClinVar aggregate classification (germline): Likely benign. Review status: criteria provided, multiple submitters, no conflicts (2 of 4 stars). 3 submissions from 3 submitters: Likely benign (3). Last evaluated 2025-07-27.

Conditions:
Cardiovascular phenotype. Identifiers: MedGen CN230736.
Brugada syndrome 7 (BRGDA7). Identifiers: Orphanet 130, MedGen C2751088, MONDO:0013146, OMIM 613120.

Allele frequency attached by ClinVar (database versions not stated): ExAC 0.00007; ESP Exome Variant Server 0.00008; gnomAD 0.00008 and 0.00009; gnomAD exomes 0.00008 and 0.00009; TOPMed 0.00010; 1000 Genomes Project 30x 0.00016; 1000 Genomes Project 0.00020.
gnomAD v4.1: 138 of 1,614,170 alleles (0.0085%); highest among the groups gnomAD compares: East Asian, 0.056%; no homozygotes.

Submissions (3):

Labcorp Genetics (formerly Invitae), Labcorp
Classification: Likely benign for Brugada syndrome 7. Last evaluated: 2025-07-27. Review status: criteria provided, single submitter. Criteria: Invitae Variant Classification Sherloc (09022015). Collection method: clinical testing. Allele origin: germline.

Ambry Genetics
Classification: Likely benign for Cardiovascular phenotype. Last evaluated: 2020-01-08. Review status: criteria provided, single submitter. Criteria: Ambry Variant Classification Scheme 2023. Collection method: clinical testing. Allele origin: germline.

GeneDx
Classification: Likely benign. Last evaluated: 2018-02-19. Review status: criteria provided, single submitter. Criteria: GeneDx Variant Classification (06012015). Collection method: clinical testing. Allele origin: germline. Affected: yes.
Comment: This variant is considered likely benign or benign based on one or more of the following criteria: it is a conservative change, it occurs at a poorly conserved position in the protein, it is predicted to be benign by multiple in silico algorithms, and/or has population frequency not consistent with disease.